The following is an entry in ClinVar:

NM_002016.2(FLG):c.2235_2238del (p.Ser745fs)

Genes: CCDST (cervical cancer associated DHX9 suppressive transcript; plus strand), FLG (filaggrin; minus strand). Cytogenetic location: 1q21.3.
Variant type: Deletion.
Coding change: c.2235_2238del on transcript NM_002016.2 (MANE Select); coding-DNA positions 2235 to 2238, 4 bases deleted (TCAG; older notation c.2235_2238delTCAG).
Protein change: p.Ser745fs; shifts the reading frame from serine 745.
Molecular consequence: frameshift variant.
Genome position (GRCh38, 1-based): chr1:152,312,648-152,312,651, CTGA deleted on the plus strand (TCAG on the coding strand, the reverse complement: FLG is on the minus strand); deleting any 4 consecutive bases within chr1:152,312,648-152,312,653 gives the same sequence; the c. name uses the placement nearest the transcript's 3' end. VCF-style (leftmost placement, unchanged base first): chr1-152312647-CCTGA-C. GRCh37 (hg19) VCF-style: chr1-152285123-CCTGA-C.
Other names: c.2233_2236delAGTC, p.Ser745Argfs (NM_002016.1); short protein forms S745fs.
Identifiers: ClinVar variation 3370800 (VCV003370800.2).
Genomic context (GRCh38, chr1:152,312,647, plus strand): 5'-GTCCATGGCCTGACACTGACTGTGTGTCTGAGTCTTCTGAATGTCCCTCACTGTCAGTGG[CCTGA>C]CTACCACTGGACCCTCGGTGTCCACTGTCTCTGACTGCAGATGAAGCTTGTCCGTGCCCA-3'

ClinVar aggregate classification (germline): Pathogenic (1 of 4 stars; one submission).

Submission:

GeneDx
Classification: Pathogenic. Last evaluated: 2026-09-29. Review status: criteria provided, single submitter. Criteria: GeneDx Variant Classification Process June 2021. Collection method: clinical testing. Allele origin: germline.
Comment: Frameshift variant predicted to result in abnormal protein length as the last 3317 amino acids are replaced with 51 different amino acids, and other similar variants have been reported in HGMD; Not observed at significant frequency in large population cohorts (gnomAD); Has not been previously published as pathogenic or benign to our knowledge; This variant is associated with the following publications: (PMID: 16444271)